The following is an entry in ClinVar:

NM_147127.5(EVC2):c.847A>G (p.Ile283Val)

Gene: EVC2 (EvC ciliary complex subunit 2; minus strand). Cytogenetic location: 4p16.2.
Variant type: single nucleotide variant.
Coding change: c.847A>G on transcript NM_147127.5 (MANE Select); coding-DNA position 847, A replaced by G.
Protein change: p.Ile283Val; replaces isoleucine 283 with valine.
Molecular consequence: missense variant.
Genome position (GRCh38, 1-based): chr4:5,681,283, T>C on the plus strand (A>G on the coding strand, the complement: EVC2 is on the minus strand). VCF-style: chr4-5681283-T-C. GRCh37 (hg19) VCF-style: chr4-5683010-T-C.
Other names: c.607A>G, p.Ile203Val (NM_001166136.2); short protein forms I283V, I203V.
Identifiers: ClinVar variation 2086089 (VCV002086089.2), dbSNP rs777206473, ClinGen allele CA2835277.

ClinVar aggregate classification (germline): Uncertain significance. Review status: criteria provided, multiple submitters, no conflicts (2 of 4 stars). 2 submissions from 2 submitters: Uncertain significance (2). Last evaluated 2022-10-06.

Conditions:
Inborn genetic diseases. Identifiers: MedGen C0950123, MeSH D030342.
Curry-Hall syndrome (WAD). Also called: WEYERS ACRODENTAL DYSOSTOSIS. Identifiers: Orphanet 952, MedGen C0457013, MONDO:0008673, OMIM 193530.
Ellis-van Creveld syndrome (EVC). Also called: EVC2-Related Ellis-van Creveld Syndrome; EVC-Related Ellis-van Creveld Syndrome; Chondroectodermal dysplasia; MESOECTODERMAL DYSPLASIA. Identifiers: Orphanet 289, MedGen C0013903, MONDO:0009162, OMIM 225500.

Allele frequency attached by ClinVar (database versions not stated): gnomAD 0.00001; gnomAD exomes 0.00001; TOPMed 0.00002; ExAC 0.00007.
gnomAD v4.1: 19 of 1,614,040 alleles (0.0012%); highest among the groups gnomAD compares: East Asian, 0.0089%; no homozygotes.

Submissions (2):

Ambry Genetics
Classification: Uncertain significance for Inborn genetic diseases. Last evaluated: 2022-10-06. Review status: criteria provided, single submitter. Criteria: Ambry Variant Classification Scheme 2023. Collection method: clinical testing. Allele origin: germline.

Labcorp Genetics (formerly Invitae), Labcorp
Classification: Uncertain significance for Curry-Hall syndrome; Ellis-van Creveld syndrome. Last evaluated: 2022-03-02. Review status: criteria provided, single submitter. Criteria: Invitae Variant Classification Sherloc (09022015). Collection method: clinical testing. Allele origin: germline.
Comment: This sequence change replaces isoleucine, which is neutral and non-polar, with valine, which is neutral and non-polar, at codon 283 of the EVC2 protein (p.Ile283Val). This variant is present in population databases (rs777206473, gnomAD 0.02%). This variant has not been reported in the literature in individuals affected with EVC2-related conditions. Algorithms developed to predict the effect of missense changes on protein structure and function output the following: SIFT: "Deleterious"; PolyPhen-2: "Benign"; Align-GVGD: "Class C0". The valine amino acid residue is found in multiple mammalian species, which suggests that this missense change does not adversely affect protein function. In summary, the available evidence is currently insufficient to determine the role of this variant in disease. Therefore, it has been classified as a Variant of Uncertain Significance.